The following is an entry in ClinVar:

NM_000051.4(ATM):c.1252C>T (p.Gln418Ter)

Gene: ATM (ATM serine/threonine kinase; plus strand). Cytogenetic location: 11q22.3.
Variant type: single nucleotide variant.
Coding change: c.1252C>T on transcript NM_000051.4 (MANE Select); coding-DNA position 1252, C replaced by T.
Protein change: p.Gln418Ter; replaces glutamine 418 with a stop codon.
Molecular consequence: nonsense.
Genome position (GRCh38, 1-based): chr11:108,250,717, C>T. VCF-style: chr11-108250717-C-T. GRCh37 (hg19) VCF-style: chr11-108121444-C-T.
Other names: c.1252C>T, p.Gln418Ter (NM_001351834.2); short protein forms Q418*.
Identifiers: ClinVar variation 3148017 (VCV003148017.1), dbSNP rs2135316180, ClinGen allele CA382533233.

ClinVar aggregate classification (germline): Pathogenic (1 of 4 stars; one submission).

Conditions:
Familial cancer of breast. Also called: BREAST CANCER, FAMILIAL; Hereditary breast cancer; hereditary breast carcinoma. Identifiers: Orphanet 227535, MedGen C0346153, MONDO:0016419, OMIM 114480. Disease mechanism: loss of function.

Submission:

Myriad Genetics, Inc.
Classification: Pathogenic for Familial cancer of breast. Last evaluated: 2024-01-12. Review status: criteria provided, single submitter. Criteria: Myriad Autosomal Dominant, Autosomal Recessive and X-Linked Classification Criteria (2023). Collection method: clinical testing. Allele origin: unknown.
Comment: This variant is considered pathogenic. This variant creates a termination codon and is predicted to result in premature protein truncation.